The following is an entry in ClinVar:

NM_001142800.2(EYS):c.3153del (p.Leu1052fs)

Gene: EYS (EGF-like photoreceptor maintenance factor; minus strand). Cytogenetic location: 6q12.
Variant type: Deletion.
Coding change: c.3153del on transcript NM_001142800.2 (MANE Select); coding-DNA position 3153, one base deleted (T; older notation c.3153delT).
Protein change: p.Leu1052fs; shifts the reading frame from leucine 1052.
Molecular consequence: frameshift variant.
Genome position (GRCh38, 1-based): chr6:64,822,662, A deleted on the plus strand (T on the coding strand, the reverse complement: EYS is on the minus strand). VCF-style (leftmost placement, unchanged base first): chr6-64822661-GA-G. GRCh37 (hg19) VCF-style: chr6-65532554-GA-G.
Other names: c.3153del, p.Leu1052fs (NM_001292009.2); short protein forms L1052fs.
Identifiers: ClinVar variation 948233 (VCV000948233.8), dbSNP rs1764934644, ClinGen allele CA1139659642.

ClinVar aggregate classification (germline): Pathogenic/Likely pathogenic. Review status: criteria provided, multiple submitters, no conflicts (2 of 4 stars). 2 submissions from 2 submitters: Pathogenic (1); Likely pathogenic (1). Last evaluated 2022-06-26.

Conditions:
Retinitis pigmentosa 25 (RP25). Identifiers: Orphanet 791, MedGen C1864446, MONDO:0011272, OMIM 602772.

Submissions (2):

Baylor Genetics
Classification: Likely pathogenic for Retinitis pigmentosa 25. Last evaluated: 2022-06-26. Review status: criteria provided, single submitter. Criteria: ACMG Guidelines, 2015. Collection method: clinical testing. Allele origin: unknown.

Labcorp Genetics (formerly Invitae), Labcorp
Classification: Pathogenic. Last evaluated: 2019-08-20. Review status: criteria provided, single submitter. Criteria: Invitae Variant Classification Sherloc (09022015). Collection method: clinical testing. Allele origin: germline.
Comment: This sequence change creates a premature translational stop signal (p.Leu1052Tyrfs*38) in the EYS gene. It is expected to result in an absent or disrupted protein product. This variant is not present in population databases (ExAC no frequency). This variant has not been reported in the literature in individuals with EYS-related conditions. Loss-of-function variants in EYS are known to be pathogenic (PMID: 18836446, 20333770). For these reasons, this variant has been classified as Pathogenic.

Literature cited by the submitters: PubMed 18836446 (cited by Labcorp Genetics (formerly Invitae), Labcorp); PubMed 20333770 (cited by Labcorp Genetics (formerly Invitae), Labcorp).